The following is an entry in ClinVar:

ClinVar aggregate classification (germline): Likely benign. Review status: criteria provided, multiple submitters, no conflicts (2 of 4 stars). 2 submissions from 2 submitters: Likely benign (2). Last evaluated 2023-11-07.

Allele frequency attached by ClinVar (database versions not stated): gnomAD exomes below 0.00001; gnomAD 0.00001.
gnomAD v4.1: 3 of 1,613,074 alleles (0.00019%); highest among the groups gnomAD compares: African/African-American, 0.0013%; no homozygotes.

Submissions (2):

Women's Health and Genetics/Laboratory Corporation of America, LabCorp
Classification: Likely benign. Last evaluated: 2023-11-07. Review status: criteria provided, single submitter. Criteria: LabCorp Variant Classification Summary - May 2015. Collection method: clinical testing. Allele origin: germline.
Comment: Variant summary: HBB c.27G>A alters a conserved nucleotide resulting in a synonymous change. Consensus agreement among computation tools predict no significant impact on normal splicing. However, these predictions have yet to be confirmed by functional studies. The variant allele was found at a frequency of 6.6e-06 in 150972 control chromosomes (gnomAD v3.1, genomes dataset). The available data on variant occurrences in the general population are insufficient to allow any conclusion about variant significance. To our knowledge, no occurrence of c.27G>A in individuals affected with Hemoglobinopathy and no experimental evidence demonstrating its impact on protein function have been reported. One clinical diagnostic laboratory has submitted clinical-significance assessments for this variant to ClinVar after 2014 without evidence for independent evaluation, and classified the variant as likely benign. Based on the evidence outlined above, the variant was classified as likely benign.

Labcorp Genetics (formerly Invitae), Labcorp
Classification: Likely benign. Last evaluated: 2023-08-04. Review status: criteria provided, single submitter. Criteria: Invitae Variant Classification Sherloc (09022015). Collection method: clinical testing. Allele origin: germline.

NM_000518.5(HBB):c.27G>A (p.Lys9=)

Genes: HBB (hemoglobin subunit beta; minus strand), LOC107133510 (origin of replication at HBB; plus strand), LOC106099062 (HBB recombination region; plus strand). Cytogenetic location: 11p15.4.
Variant type: single nucleotide variant.
Coding change: c.27G>A on transcript NM_000518.5 (MANE Select); coding-DNA position 27, G replaced by A.
Protein change: p.Lys9=; no amino-acid change (lysine 9 retained).
Molecular consequence: synonymous variant.
Genome position (GRCh38, 1-based): chr11:5,226,995, C>T on the plus strand (G>A on the coding strand, the complement: HBB is on the minus strand). VCF-style: chr11-5226995-C-T. GRCh37 (hg19) VCF-style: chr11-5248225-C-T.
Identifiers: ClinVar variation 1568873 (VCV001568873.9), dbSNP rs35198910, ClinGen allele CA472885719.